The following is an entry in ClinVar:

ClinVar aggregate classification (germline): Uncertain significance (1 of 4 stars; one submission).

gnomAD v4.1: 40 of 1,614,058 alleles (0.0025%); highest among the groups gnomAD compares: Middle Eastern, 0.016%; no homozygotes.

Submission:

Labcorp Genetics (formerly Invitae), Labcorp
Classification: Uncertain significance. Last evaluated: 2024-02-08. Review status: criteria provided, single submitter. Criteria: Invitae Variant Classification Sherloc (09022015). Collection method: clinical testing. Allele origin: germline.
Comment: This sequence change replaces valine, which is neutral and non-polar, with isoleucine, which is neutral and non-polar, at codon 67 of the SCARB1 protein (p.Val67Ile). This variant is present in population databases (rs765203973, gnomAD 0.006%). This variant has not been reported in the literature in individuals affected with SCARB1-related conditions. Advanced modeling of protein sequence and biophysical properties (such as structural, functional, and spatial information, amino acid conservation, physicochemical variation, residue mobility, and thermodynamic stability) performed at Invitae indicates that this missense variant is not expected to disrupt SCARB1 protein function with a negative predictive value of 80%. In summary, the available evidence is currently insufficient to determine the role of this variant in disease. Therefore, it has been classified as a Variant of Uncertain Significance.

NM_005505.5(SCARB1):c.199G>A (p.Val67Ile)

Gene: SCARB1 (scavenger receptor class B member 1; minus strand). Cytogenetic location: 12q24.31.
Variant type: single nucleotide variant.
Coding change: c.199G>A on transcript NM_005505.5 (MANE Select); coding-DNA position 199, G replaced by A.
Protein change: p.Val67Ile; replaces valine 67 with isoleucine.
Molecular consequence: missense variant. On other transcripts: non-coding transcript variant (9).
Genome position (GRCh38, 1-based): chr12:124,817,635, C>T on the plus strand (G>A on the coding strand, the complement: SCARB1 is on the minus strand). VCF-style: chr12-124817635-C-T. GRCh37 (hg19) VCF-style: chr12-125302181-C-T.
Other names: c.199G>A, p.Val67Ile (NM_001367987.1, NM_001367988.1, NM_001367989.1 and 6 more transcripts); c.76G>A, p.Val26Ile (NM_001367982.1); short protein forms V26I, V67I.
Identifiers: ClinVar variation 3603969 (VCV003603969.2).